The following is an entry in ClinVar:

NM_005720.4(ARPC1B):c.815A>G (p.Tyr272Cys)

Gene: ARPC1B (actin related protein 2/3 complex subunit 1B; plus strand). Cytogenetic location: 7q22.1.
Variant type: single nucleotide variant.
Coding change: c.815A>G on transcript NM_005720.4 (MANE Select); coding-DNA position 815, A replaced by G.
Protein change: p.Tyr272Cys; replaces tyrosine 272 with cysteine.
Molecular consequence: missense variant.
Genome position (GRCh38, 1-based): chr7:99,392,702, A>G. VCF-style: chr7-99392702-A-G. GRCh37 (hg19) VCF-style: chr7-98990325-A-G.
Other names: short protein forms Y272C.
Identifiers: ClinVar variation 1935821 (VCV001935821.2), dbSNP rs1018429777, ClinGen allele CA368327702.

ClinVar aggregate classification (germline): Uncertain significance (1 of 4 stars; one submission).

gnomAD v4.1: 5 of 1,545,466 alleles (0.00032%); highest among the groups gnomAD compares: East Asian, 0.0025%; no homozygotes.

Submission:

Labcorp Genetics (formerly Invitae), Labcorp
Classification: Uncertain significance. Last evaluated: 2022-03-24. Review status: criteria provided, single submitter. Criteria: Invitae Variant Classification Sherloc (09022015). Collection method: clinical testing. Allele origin: germline.
Comment: This sequence change replaces tyrosine, which is neutral and polar, with cysteine, which is neutral and slightly polar, at codon 272 of the ARPC1B protein (p.Tyr272Cys). This variant is not present in population databases (gnomAD no frequency). This variant has not been reported in the literature in individuals affected with ARPC1B-related conditions. Algorithms developed to predict the effect of missense changes on protein structure and function are either unavailable or do not agree on the potential impact of this missense change (SIFT: "Deleterious"; PolyPhen-2: "Probably Damaging"; Align-GVGD: "Class C0"). In summary, the available evidence is currently insufficient to determine the role of this variant in disease. Therefore, it has been classified as a Variant of Uncertain Significance.